The following is an entry in ClinVar:

ClinVar aggregate classification (germline): Conflicting classifications of pathogenicity. Review status: criteria provided, conflicting classifications (1 of 4 stars). 2 submissions from 2 submitters: Uncertain significance (1); Likely benign (1). Last evaluated 2025-12-05.

Conditions:
Inborn genetic diseases. Identifiers: MedGen C0950123, MeSH D030342.
Familial focal epilepsy with variable foci (FPEVF). Identifiers: Orphanet 98820, MedGen C1858477, MONDO:0020310.

Allele frequency attached by ClinVar (database versions not stated): gnomAD 0.00001; ExAC 0.00002; ESP Exome Variant Server 0.00008; TOPMed below 0.00001; gnomAD exomes 0.00001.
gnomAD v4.1: 10 of 1,613,992 alleles (0.00062%); highest among the groups gnomAD compares: Non-Finnish European, 0.00085%; no homozygotes.

Submissions (2):

Ambry Genetics
Classification: Likely benign for Inborn genetic diseases. Last evaluated: 2025-12-05. Review status: criteria provided, single submitter. Criteria: Ambry Variant Classification Scheme 2023. Collection method: clinical testing. Allele origin: germline.

Labcorp Genetics (formerly Invitae), Labcorp
Classification: Uncertain significance for Familial focal epilepsy with variable foci. Last evaluated: 2025-10-26. Review status: criteria provided, single submitter. Criteria: Invitae Variant Classification Sherloc (09022015). Collection method: clinical testing. Allele origin: germline.
Comment: This sequence change replaces valine, which is neutral and non-polar, with methionine, which is neutral and non-polar, at codon 791 of the DEPDC5 protein (p.Val791Met). This variant is present in population databases (rs377467999, gnomAD 0.002%). This variant has not been reported in the literature in individuals affected with DEPDC5-related conditions. ClinVar contains an entry for this variant (Variation ID: 2963262). An algorithm developed to predict the effect of missense changes on protein structure and function outputs the following: PolyPhen-2: "Not Available". The methionine amino acid residue is found in multiple mammalian species, which suggests that this missense change does not adversely affect protein function. In summary, the available evidence is currently insufficient to determine the role of this variant in disease. Therefore, it has been classified as a Variant of Uncertain Significance.

NM_001242896.3(DEPDC5):c.2371G>A (p.Val791Met)

Gene: DEPDC5 (DEP domain containing 5, GATOR1 subcomplex subunit; plus strand). Cytogenetic location: 22q12.3.
Variant type: single nucleotide variant.
Coding change: c.2371G>A on transcript NM_001242896.3 (MANE Select); coding-DNA position 2371, G replaced by A.
Protein change: p.Val791Met; replaces valine 791 with methionine.
Molecular consequence: missense variant. On other transcripts: non-coding transcript variant (5).
Genome position (GRCh38, 1-based): chr22:31,838,701, G>A. VCF-style: chr22-31838701-G-A. GRCh37 (hg19) VCF-style: chr22-32234687-G-A.
Other names: c.2344G>A, p.Val782Met (NM_001136029.4, NM_001369903.1, NM_014662.6); c.2137G>A, p.Val713Met (NM_001242897.2, NM_001363854.2, NM_001364319.2); c.2371G>A, p.Val791Met (NM_001363852.2, NM_001364318.2, NM_001364320.2); c.2287G>A, p.Val763Met (NM_001369901.1, NM_001369902.1); c.2371G>A (NM_001242896.1); short protein forms V791M, V713M, V763M, V782M.
Identifiers: ClinVar variation 2963262 (VCV002963262.4), dbSNP rs377467999, ClinGen allele CA10196708.